The following is an entry in ClinVar:

NM_031844.3(HNRNPU):c.579_581del (p.Phe194del)

Gene: HNRNPU (heterogeneous nuclear ribonucleoprotein U; minus strand). Cytogenetic location: 1q44.
Variant type: Deletion.
Coding change: c.579_581del on transcript NM_031844.3 (MANE Select); coding-DNA positions 579 to 581, 3 bases deleted (GTT; older notation c.579_581delGTT).
Protein change: p.Phe194del; deletes phenylalanine 194.
Molecular consequence: inframe deletion.
Genome position (GRCh38, 1-based): chr1:244,863,727-244,863,729, AAC deleted on the plus strand (GTT on the coding strand, the reverse complement: HNRNPU is on the minus strand); deleting any 3 consecutive bases within chr1:244,863,727-244,863,730 gives the same sequence; the c. name uses the placement nearest the transcript's 3' end. VCF-style (leftmost placement, unchanged base first): chr1-244863726-GAAC-G. GRCh37 (hg19) VCF-style: chr1-245027028-GAAC-G.
Other names: c.579_581del, p.Phe194del (NM_004501.3); short protein forms F194del.
Identifiers: ClinVar variation 4729545 (VCV004729545.1).

ClinVar aggregate classification (germline): Uncertain significance (1 of 4 stars; one submission).

Conditions:
Developmental and epileptic encephalopathy, 54. Also called: HNRNPU-Related Neurodevelopmental Disorder; Epileptic encephalopathy, early infantile, 54. Identifiers: MedGen C4479319, MONDO:0033363, OMIM 617391.

Submission:

Labcorp Genetics (formerly Invitae), Labcorp
Classification: Uncertain significance for Developmental and epileptic encephalopathy, 54. Last evaluated: 2025-10-23. Review status: criteria provided, single submitter. Criteria: Invitae Variant Classification Sherloc (09022015). Collection method: clinical testing. Allele origin: germline.
Comment: This variant, c.579_581del, results in the deletion of 1 amino acid(s) of the HNRNPU protein (p.Phe194del), but otherwise preserves the integrity of the reading frame. This variant is not present in population databases (gnomAD no frequency). This variant has not been reported in the literature in individuals affected with HNRNPU-related conditions. Experimental studies and prediction algorithms are not available or were not evaluated, and the functional significance of this variant is currently unknown. In summary, the available evidence is currently insufficient to determine the role of this variant in disease. Therefore, it has been classified as a Variant of Uncertain Significance.